The following is an entry in ClinVar:

NM_000051.4(ATM):c.2012_2013dup (p.Glu672Ter)

Gene: ATM (ATM serine/threonine kinase; plus strand). Cytogenetic location: 11q22.3.
Variant type: Microsatellite.
Coding change: c.2012_2013dup on transcript NM_000051.4 (MANE Select); coding-DNA positions 2012 to 2013, 2 bases duplicated (TA; older notation c.2012_2013dupTA).
Protein change: p.Glu672Ter; replaces glutamic acid 672 with a stop codon.
Molecular consequence: nonsense.
Genome position (GRCh38, 1-based): chr11:108,253,927-108,253,928, TA duplicated; duplicating any 2 consecutive bases within chr11:108,253,925-108,253,928 gives the same sequence; the c. name uses the placement nearest the transcript's 3' end. VCF-style (leftmost placement, unchanged base first): chr11-108253924-G-GTA. GRCh37 (hg19) VCF-style: chr11-108124651-G-GTA.
Other names: c.2012_2013dupTA (NM_000051.4); c.2012_2013dup, p.Glu672Ter (NM_001351834.2); short protein forms E672*.
Identifiers: ClinVar variation 5042620 (VCV005042620.1), dbSNP rs772470025.

ClinVar aggregate classification (germline): Pathogenic (1 of 4 stars; one submission).

Conditions:
ATM-related cancer predisposition. Also called: ATM-related cancer susceptibility. Identifiers: MedGen CN377759, MONDO:0700270.

Submission:

Hema, HEMA – Genetic and Molecular Diagnostic Laboratory
Classification: Pathogenic for ATM-related cancer predisposition. Last evaluated: 2026-09-14. Review status: criteria provided, single submitter. Criteria: HEMA Variant Classification Assertion Criteria. Collection method: clinical testing. Allele origin: germline.
Comment: The variant c.2012_2013dup p.(Glu672Ter) is a duplication of the dinucleotide TA that results in a premature stop codon at position 672 of ATM. PVS1: Null variant (nonsense) in a gene for which loss of function is a known disease mechanism. The variant c.2012_2013dup p.(Glu672Ter) in the ATM gene is a nonsense variant that introduces a premature stop codon in exon 13/63, which is predicted to result in nonsense-mediated decay (NMD) of the transcript. PM2_Supporting: Present at very low frequency in gnomAD. PM5_Supporting: This variant results in a stop codon upstream of the most C-terminal pathogenic variant in the ATM gene (p.Arg3047*).